The following is an entry in ClinVar:

ClinVar aggregate classification (germline): Uncertain significance (1 of 4 stars; one submission).

Submission:

GeneDx
Classification: Uncertain significance. Last evaluated: 2021-06-23. Review status: criteria provided, single submitter. Criteria: GeneDx Variant Classification Process June 2021. Collection method: clinical testing. Allele origin: germline. Affected: yes.
Comment: Not observed at significant frequency in large population cohorts (Lek et al., 2016); In silico analysis supports that this missense variant does not alter protein structure/function; Has not been previously published as pathogenic or benign to our knowledge; This variant is associated with the following publications: (PMID: 27535533)

NM_014991.6(WDFY3):c.3548G>T (p.Arg1183Leu)

Gene: WDFY3 (WD repeat and FYVE domain containing 3; minus strand). Cytogenetic location: 4q21.23.
Variant type: single nucleotide variant.
Coding change: c.3548G>T on transcript NM_014991.6 (MANE Select); coding-DNA position 3548, G replaced by T.
Protein change: p.Arg1183Leu; replaces arginine 1183 with leucine.
Molecular consequence: missense variant.
Genome position (GRCh38, 1-based): chr4:84,789,847, C>A on the plus strand (G>T on the coding strand, the complement: WDFY3 is on the minus strand). VCF-style: chr4-84789847-C-A. GRCh37 (hg19) VCF-style: chr4-85711000-C-A.
Other names: short protein forms R1183L.
Identifiers: ClinVar variation 1329524 (VCV001329524.2), dbSNP rs1298877628, ClinGen allele CA357558671.
Genomic context (GRCh38, chr4:84,789,847, plus strand): 5'-CCTTTGCTCATTACCAGGACCAAATGATGCCACTGTCCCTCAATGATAAGCTCTCCACAT[C>A]GAAAGCGAGCACAGCATGGGAGAATTTCATAAAATGAGGACTCTTCACTAAAATCATCAA-3'
Protein context (NP_055806.2, residues 1173-1193): YEILPCCARF[Arg1183Leu]CGELIIEGQW